The following is an entry in ClinVar:

NM_001023.4(RPS20):c.16A>G (p.Thr6Ala)

Gene: RPS20 (ribosomal protein S20; minus strand). Cytogenetic location: 8q12.1.
Variant type: single nucleotide variant.
Coding change: c.16A>G on transcript NM_001023.4 (MANE Select); coding-DNA position 16, A replaced by G.
Protein change: p.Thr6Ala; replaces threonine 6 with alanine.
Molecular consequence: missense variant.
Genome position (GRCh38, 1-based): chr8:56,074,147, T>C on the plus strand (A>G on the coding strand, the complement: RPS20 is on the minus strand). VCF-style: chr8-56074147-T-C. GRCh37 (hg19) VCF-style: chr8-56986706-T-C.
Other names: c.16A>G, p.Thr6Ala (NM_001146227.3); short protein forms T6A.
Identifiers: ClinVar variation 4863477 (VCV004863477.1).

ClinVar aggregate classification (germline): Uncertain significance (1 of 4 stars; one submission).

gnomAD v4.1: 1 of 1,612,440 alleles (0.000062%); no homozygotes.

Submission:

Ambry Genetics
Classification: Uncertain significance. Last evaluated: 2026-06-09. Review status: criteria provided, single submitter. Criteria: Ambry Variant Classification Scheme 2023. Collection method: clinical testing. Allele origin: germline.
Comment: The p.T6A variant (also known as c.16A>G), located in coding exon 2 of the RPS20 gene, results from an A to G substitution at nucleotide position 16. The threonine at codon 6 is replaced by alanine, an amino acid with similar properties. This amino acid position is well conserved in available vertebrate species. In addition, this alteration is predicted to be tolerated by in silico analysis. Based on the available evidence, the clinical significance of this variant remains unclear.